The following is an entry in ClinVar:

ClinVar aggregate classification (germline): Likely benign (1 of 4 stars; one submission).

Conditions:
Catecholaminergic polymorphic ventricular tachycardia (CVPT). Also called: Catecholamine-induced polymorphic ventricular tachycardia. Identifiers: Orphanet 3286, MedGen C5574922, MONDO:0017990.

gnomAD v4.1: 1 of 1,612,450 alleles (0.000062%); highest among the groups gnomAD compares: Non-Finnish European, 0.000085%; no homozygotes.

Submission:

All of Us Research Program, National Institutes of Health
Classification: Likely benign for Catecholaminergic polymorphic ventricular tachycardia. Last evaluated: 2024-04-16. Review status: criteria provided, single submitter. Criteria: ACMG Guidelines, 2015. Collection method: clinical testing. Allele origin: germline. Inheritance: Autosomal dominant inheritance. Observed: 1 variant allele, 1 heterozygote.
Comment: This study involves interpretation of variants in research participants for the purpose of population health screening. Participant phenotype was not available at the time of variant classification. Additional details can be found in publication PMID: 35346344, PMCID: PMC8962531

NM_001035.3(RYR2):c.8748T>C (p.Ser2916=)

Gene: RYR2 (ryanodine receptor 2; plus strand). Cytogenetic location: 1q43.
Variant type: single nucleotide variant.
Coding change: c.8748T>C on transcript NM_001035.3 (MANE Select); coding-DNA position 8748, T replaced by C.
Protein change: p.Ser2916=; no amino-acid change (serine 2916 retained).
Molecular consequence: synonymous variant.
Genome position (GRCh38, 1-based): chr1:237,674,764, T>C. VCF-style: chr1-237674764-T-C. GRCh37 (hg19) VCF-style: chr1-237838064-T-C.
Identifiers: ClinVar variation 3385802 (VCV003385802.1).